The following is an entry in ClinVar:

NM_033641.4(COL4A6):c.1188_1195del (p.Gly397fs)

Gene: COL4A6 (collagen type IV alpha 6 chain; minus strand). Cytogenetic location: Xq22.3.
Variant type: Deletion.
Coding change: c.1188_1195del on transcript NM_033641.4 (MANE Select); coding-DNA positions 1188 to 1195, 8 bases deleted (AGGAGCCC; older notation c.1188_1195delAGGAGCCC).
Protein change: p.Gly397fs; shifts the reading frame from glycine 397.
Molecular consequence: frameshift variant.
Genome position (GRCh38, 1-based): chrX:108,191,519-108,191,526, GGGCTCCT deleted on the plus strand (AGGAGCCC on the coding strand, the reverse complement: COL4A6 is on the minus strand); deleting any 8 consecutive bases within chrX:108,191,519-108,191,529 gives the same sequence; the c. name uses the placement nearest the transcript's 3' end. VCF-style (leftmost placement, unchanged base first): chrX-108191518-AGGGCTCCT-A. GRCh37 (hg19) VCF-style: chrX-107434748-AGGGCTCCT-A.
Other names: c.1188_1195delAGGAGCCC (NM_033641.4); c.1188_1195del, p.Gly397fs (NM_001287758.2, NM_001287759.2, NM_001287760.2 and 1 more transcripts); c.1191_1198del, p.Gly398fs (NM_001440759.1, NM_001847.4); short protein forms G397fs, G398fs.
Identifiers: ClinVar variation 4845744 (VCV004845744.1).

ClinVar aggregate classification (germline): Likely pathogenic (1 of 4 stars; one submission).

Conditions:
Hearing loss, X-linked 6. Also called: Deafness, X-linked 6. Identifiers: Orphanet 90625, MedGen C3806737, MONDO:0010484, OMIM 300914.

Submission:

First Genomix Gene Laboratory, Genetic Diagnostics Department
Classification: Likely pathogenic for Hearing loss, X-linked 6. Last evaluated: 2025-01-08. Review status: criteria provided, single submitter. Criteria: ACMG Guidelines, 2015. Collection method: clinical testing. Allele origin: germline. Inheritance: X-linked recessive inheritance. Affected: no. Observed: 1 variant allele.